The following is an entry in ClinVar:

NM_206933.4(USH2A):c.8324T>A (p.Val2775Glu)

Gene: USH2A (usherin; minus strand). Cytogenetic location: 1q41.
Variant type: single nucleotide variant.
Coding change: c.8324T>A on transcript NM_206933.4 (MANE Select); coding-DNA position 8324, T replaced by A.
Protein change: p.Val2775Glu; replaces valine 2775 with glutamic acid.
Molecular consequence: missense variant.
Genome position (GRCh38, 1-based): chr1:215,878,998, A>T on the plus strand (T>A on the coding strand, the complement: USH2A is on the minus strand). VCF-style: chr1-215878998-A-T. GRCh37 (hg19) VCF-style: chr1-216052340-A-T.
Other names: short protein forms V2775E.
Identifiers: ClinVar variation 1395926 (VCV001395926.8), dbSNP rs767155952, ClinGen allele CA344832080.

ClinVar aggregate classification (germline): Uncertain significance (1 of 4 stars; one submission).

Submission:

Labcorp Genetics (formerly Invitae), Labcorp
Classification: Uncertain significance. Last evaluated: 2022-03-02. Review status: criteria provided, single submitter. Criteria: Invitae Variant Classification Sherloc (09022015). Collection method: clinical testing. Allele origin: germline.
Comment: Algorithms developed to predict the effect of sequence changes on RNA splicing suggest that this variant may create or strengthen a splice site. Algorithms developed to predict the effect of missense changes on protein structure and function (SIFT, PolyPhen-2, Align-GVGD) all suggest that this variant is likely to be tolerated. This variant has not been reported in the literature in individuals affected with USH2A-related conditions. This variant is not present in population databases (gnomAD no frequency). This sequence change replaces valine, which is neutral and non-polar, with glutamic acid, which is acidic and polar, at codon 2775 of the USH2A protein (p.Val2775Glu). In summary, the available evidence is currently insufficient to determine the role of this variant in disease. Therefore, it has been classified as a Variant of Uncertain Significance.